The following is an entry in ClinVar:

ClinVar aggregate classification (germline): Uncertain significance (1 of 4 stars; one submission).

Submission:

Labcorp Genetics (formerly Invitae), Labcorp
Classification: Uncertain significance. Last evaluated: 2020-07-13. Review status: criteria provided, single submitter. Criteria: Invitae Variant Classification Sherloc (09022015). Collection method: clinical testing. Allele origin: germline.
Comment: This sequence change replaces threonine with arginine at codon 928 of the MSH3 protein (p.Thr928Arg). The threonine residue is moderately conserved and there is a moderate physicochemical difference between threonine and arginine. This variant is not present in population databases (ExAC no frequency). This variant has not been reported in the literature in individuals with MSH3-related conditions. Algorithms developed to predict the effect of missense changes on protein structure and function (SIFT, PolyPhen-2, Align-GVGD) all suggest that this variant is likely to be tolerated, but these predictions have not been confirmed by published functional studies and their clinical significance is uncertain. In summary, the available evidence is currently insufficient to determine the role of this variant in disease. Therefore, it has been classified as a Variant of Uncertain Significance.

NM_002439.5(MSH3):c.2783C>G (p.Thr928Arg)

Gene: MSH3 (mutS homolog 3; plus strand). Cytogenetic location: 5q14.1.
Variant type: single nucleotide variant.
Coding change: c.2783C>G on transcript NM_002439.5 (MANE Select); coding-DNA position 2783, C replaced by G.
Protein change: p.Thr928Arg; replaces threonine 928 with arginine.
Molecular consequence: missense variant.
Genome position (GRCh38, 1-based): chr5:80,813,711, C>G. VCF-style: chr5-80813711-C-G. GRCh37 (hg19) VCF-style: chr5-80109530-C-G.
Other names: short protein forms T928R.
Identifiers: ClinVar variation 1003731 (VCV001003731.8), dbSNP rs1745049937, ClinGen allele CA360274066.